The following is an entry in ClinVar:

ClinVar aggregate classification (germline): Uncertain significance (1 of 4 stars; one submission).

Conditions:
Meckel-Gruber syndrome. Also called: Dysencephalia splachnocystica; DYSENCEPHALIA SPLANCHNOCYSTICA; GRUBER SYNDROME. Identifiers: Orphanet 564, MedGen C0265215, MONDO:0018921.
Nephronophthisis. Also called: Juvenile Nephronophthisis. Identifiers: Orphanet 655, MedGen C0687120, MONDO:0019005, HP:0000090.
Joubert syndrome. Also called: Familial aplasia of the vermis; CEREBELLOPARENCHYMAL DISORDER IV; JOUBERT-BOLTSHAUSER SYNDROME. Identifiers: Orphanet 475, MedGen C5979921, MONDO:0018772.

Allele frequency attached by ClinVar (database versions not stated): TOPMed below 0.00001.

Submission:

Labcorp Genetics (formerly Invitae), Labcorp
Classification: Uncertain significance for Joubert syndrome; Meckel-Gruber syndrome; Nephronophthisis. Last evaluated: 2021-09-02. Review status: criteria provided, single submitter. Criteria: Invitae Variant Classification Sherloc (09022015). Collection method: clinical testing. Allele origin: germline.
Comment: This sequence change replaces asparagine with serine at codon 2229 of the CEP290 protein (p.Asn2229Ser). The asparagine residue is moderately conserved and there is a small physicochemical difference between asparagine and serine. This variant is not present in population databases (ExAC no frequency). This variant has not been reported in the literature in individuals affected with CEP290-related conditions. Algorithms developed to predict the effect of missense changes on protein structure and function (SIFT, PolyPhen-2, Align-GVGD) all suggest that this variant is likely to be tolerated. In summary, the available evidence is currently insufficient to determine the role of this variant in disease. Therefore, it has been classified as a Variant of Uncertain Significance.

NM_025114.4(CEP290):c.6686A>G (p.Asn2229Ser)

Gene: CEP290 (centrosomal protein 290; minus strand). Cytogenetic location: 12q21.32.
Variant type: single nucleotide variant.
Coding change: c.6686A>G on transcript NM_025114.4 (MANE Select); coding-DNA position 6686, A replaced by G.
Protein change: p.Asn2229Ser; replaces asparagine 2229 with serine.
Molecular consequence: missense variant.
Genome position (GRCh38, 1-based): chr12:88,058,980, T>C on the plus strand (A>G on the coding strand, the complement: CEP290 is on the minus strand). VCF-style: chr12-88058980-T-C. GRCh37 (hg19) VCF-style: chr12-88452757-T-C.
Other names: short protein forms N2229S.
Identifiers: ClinVar variation 937126 (VCV000937126.7), dbSNP rs2034240934, ClinGen allele CA385977718.
Genomic context (GRCh38, chr12:88,058,980, plus strand): 5'-TGCAATCTCTTACCAGTCTCTTCTAGTTGAACTGTCATCTTCTCATTTAATATCTCTAAA[T>C]TATTCTTTGCTATCCGTAATTTCTCTGCAGCATCAGTTTCCTATCATTAAATGCTAATTA-3'
Protein context (NP_079390.3, residues 2219-2239): AAEKLRIAKN[Asn2229Ser]LEILNEKMTV